The following is an entry in ClinVar:

ClinVar aggregate classification (germline): Uncertain significance (1 of 4 stars; one submission).

Allele frequency attached by ClinVar (database versions not stated): gnomAD exomes below 0.00001.

Submission:

Labcorp Genetics (formerly Invitae), Labcorp
Classification: Uncertain significance. Last evaluated: 2024-04-16. Review status: criteria provided, single submitter. Criteria: Invitae Variant Classification Sherloc (09022015). Collection method: clinical testing. Allele origin: germline.
Comment: This sequence change replaces proline, which is neutral and non-polar, with serine, which is neutral and polar, at codon 38 of the COL11A1 protein (p.Pro38Ser). This variant is not present in population databases (gnomAD no frequency). This variant has not been reported in the literature in individuals affected with COL11A1-related conditions. ClinVar contains an entry for this variant (Variation ID: 2016215). Advanced modeling of protein sequence and biophysical properties (such as structural, functional, and spatial information, amino acid conservation, physicochemical variation, residue mobility, and thermodynamic stability) performed at Invitae indicates that this missense variant is not expected to disrupt COL11A1 protein function with a negative predictive value of 95%. In summary, the available evidence is currently insufficient to determine the role of this variant in disease. Therefore, it has been classified as a Variant of Uncertain Significance.

NM_001854.4(COL11A1):c.112C>T (p.Pro38Ser)

Gene: COL11A1 (collagen type XI alpha 1 chain; minus strand). Cytogenetic location: 1p21.1.
Variant type: single nucleotide variant.
Coding change: c.112C>T on transcript NM_001854.4 (MANE Select); coding-DNA position 112, C replaced by T.
Protein change: p.Pro38Ser; replaces proline 38 with serine.
Molecular consequence: missense variant. On other transcripts: non-coding transcript variant (1).
Genome position (GRCh38, 1-based): chr1:103,082,967, G>A on the plus strand (C>T on the coding strand, the complement: COL11A1 is on the minus strand). VCF-style: chr1-103082967-G-A. GRCh37 (hg19) VCF-style: chr1-103548523-G-A.
Other names: c.112C>T, p.Pro38Ser (NM_001168249.1, NM_001190709.2, NM_080629.3 and 1 more transcripts); short protein forms P38S.
Identifiers: ClinVar variation 2016215 (VCV002016215.4), dbSNP rs2526238703, ClinGen allele CA341168936.